The following is an entry in ClinVar:

NM_001042492.3(NF1):c.2298_2304del (p.Glu767fs)

Gene: NF1 (neurofibromin 1; plus strand). Cytogenetic location: 17q11.2.
Variant type: Deletion.
Coding change: c.2298_2304del on transcript NM_001042492.3 (MANE Select); coding-DNA positions 2298 to 2304, 7 bases deleted (TGAGCAT; older notation c.2298_2304delTGAGCAT).
Protein change: p.Glu767fs; shifts the reading frame from glutamic acid 767.
Molecular consequence: frameshift variant.
Genome position (GRCh38, 1-based): chr17:31,227,264-31,227,270, TGAGCAT deleted; deleting any 7 consecutive bases within chr17:31,227,260-31,227,270 gives the same sequence; the c. name uses the placement nearest the transcript's 3' end. VCF-style (leftmost placement, unchanged base first): chr17-31227259-CGCATTGA-C. GRCh37 (hg19) VCF-style: chr17-29554277-CGCATTGA-C.
Other names: c.2294_2300delGCATTGA (NM_000267.3); c.2298_2304delTGAGCAT, p.Glu767Profs (NM_000267.4); short protein forms E767fs.
Identifiers: ClinVar variation 188217 (VCV000188217.5), dbSNP rs786204154, ClinGen allele CA334358.

ClinVar aggregate classification (germline): Pathogenic (1 of 4 stars; one submission).

Conditions:
Neurofibromatosis, type 1 (NF1). Also called: NEUROFIBROMATOSIS, TYPE I, SOMATIC; VON RECKLINGHAUSEN DISEASE; Peripheral type neurofibromatosis; Neurofibromatosis, type I. Identifiers: Orphanet 636, MedGen C0027831, MONDO:0018975, OMIM 162200. Disease mechanism: loss of function.

Submission:

Labcorp Genetics (formerly Invitae), Labcorp
Classification: Pathogenic for Neurofibromatosis, type 1. Last evaluated: 2021-08-28. Review status: criteria provided, single submitter. Criteria: Invitae Variant Classification Sherloc (09022015). Collection method: clinical testing. Allele origin: germline.
Comment: This sequence change creates a premature translational stop signal (p.Glu767Profs*22) in the NF1 gene. It is expected to result in an absent or disrupted protein product. Loss-of-function variants in NF1 are known to be pathogenic (PMID: 10712197, 23913538). This variant is not present in population databases (ExAC no frequency). This variant has not been reported in the literature in individuals affected with NF1-related conditions. ClinVar contains an entry for this variant (Variation ID: 188217). For these reasons, this variant has been classified as Pathogenic.

Literature cited by the submitters: PubMed 10712197; PubMed 23913538.